The following is an entry in ClinVar:

NM_001261826.3(AP3D1):c.805A>G (p.Ser269Gly)

Gene: AP3D1 (adaptor related protein complex 3 subunit delta 1; minus strand). Cytogenetic location: 19p13.3.
Variant type: single nucleotide variant.
Coding change: c.805A>G on transcript NM_001261826.3 (MANE Select); coding-DNA position 805, A replaced by G.
Protein change: p.Ser269Gly; replaces serine 269 with glycine.
Molecular consequence: missense variant.
Genome position (GRCh38, 1-based): chr19:2,129,091, T>C on the plus strand (A>G on the coding strand, the complement: AP3D1 is on the minus strand). VCF-style: chr19-2129091-T-C. GRCh37 (hg19) VCF-style: chr19-2129090-T-C.
Other names: c.805A>G, p.Ser269Gly (NM_001374799.1, NM_003938.8); short protein forms S269G.
Identifiers: ClinVar variation 2876158 (VCV002876158.3), dbSNP rs2512200167, ClinGen allele CA403226506.
Genomic context (GRCh38, chr19:2,129,091, plus strand): 5'-GCTCCGACACTGCACCCCGTGGAGCCGGCCCGCCCCCACCGCGCATGGCCTGCACTCACC[T>C]GTGGATGAGATTGGTGAGGGGCTCGATCAGCTTCTTGCCCAGCCGCGGTTCCAAAGGAGT-3'
Protein context (NP_001248755.1, residues 259-279): LIEPLTNLIH[Ser269Gly]TSAMSLLYEC

ClinVar aggregate classification (germline): Uncertain significance (1 of 4 stars; one submission).

Submission:

Labcorp Genetics (formerly Invitae), Labcorp
Classification: Uncertain significance. Last evaluated: 2023-08-30. Review status: criteria provided, single submitter. Criteria: Invitae Variant Classification Sherloc (09022015). Collection method: clinical testing. Allele origin: germline.
Comment: This sequence change replaces serine, which is neutral and polar, with glycine, which is neutral and non-polar, at codon 269 of the AP3D1 protein (p.Ser269Gly). This variant is not present in population databases (gnomAD no frequency). This variant has not been reported in the literature in individuals affected with AP3D1-related conditions. An algorithm developed to predict the effect of missense changes on protein structure and function (PolyPhen-2) suggests that this variant is likely to be tolerated. In summary, the available evidence is currently insufficient to determine the role of this variant in disease. Therefore, it has been classified as a Variant of Uncertain Significance.